The following is an entry in ClinVar:

ClinVar aggregate classification (germline): Uncertain significance (1 of 4 stars; one submission).

Conditions:
Hereditary cancer-predisposing syndrome. Also called: Tumor predisposition; Hereditary Cancer Syndrome; Hereditary neoplastic syndrome; Neoplastic Syndromes, Hereditary. Identifiers: Orphanet 140162, MedGen C0027672, MeSH D009386, MONDO:0015356.

Submissions (2):

Color Diagnostics, LLC DBA Color Health
Classification: Uncertain significance for Hereditary cancer-predisposing syndrome. Last evaluated: 2025-08-19. Review status: criteria provided, single submitter. Criteria: ACMG Guidelines, 2015. Collection method: clinical testing. Allele origin: germline.
Comment: This missense variant replaces asparagine with aspartic acid at codon 1678 of the BRCA1 protein. Computational prediction suggests that this variant may not impact protein structure and function. A functional study has reported that this variant does not impact BRCA1 in a haploid cell proliferation assay and mRNA abundance (PMID: 30209399). To our knowledge, this variant has not been reported in individuals affected with BRCA1-related disorders in the literature. This variant has not been identified in the general population by the Genome Aggregation Database (gnomAD). The available evidence is insufficient to determine the role of this variant in disease conclusively. Therefore, this variant is classified as a Variant of Uncertain Significance.

Brotman Baty Institute, University of Washington
No classification provided (evidence only). Condition: Breast-ovarian cancer, familial 1. Review status: no classification provided. Collection method: in vitro. Allele origin: not applicable. Functional consequence: functionally_normal. Not counted in ClinVar's aggregate classification.
ClinVar note: "not provided" was previously submitted as the classification for the variant. However, the classification appeared to be based only on an observation of functional data so it was converted to no classification on 2025-07-30.

Literature cited by the submitters: PubMed 30209399 (cited by Color Diagnostics, LLC DBA Color Health).

NM_007294.4(BRCA1):c.5032A>G (p.Asn1678Asp)

Gene: BRCA1 (BRCA1 DNA repair associated; minus strand). Cytogenetic location: 17q21.31.
Variant type: single nucleotide variant.
Coding change: c.5032A>G on transcript NM_007294.4 (MANE Select); coding-DNA position 5032, A replaced by G.
Protein change: p.Asn1678Asp; replaces asparagine 1678 with aspartic acid.
Molecular consequence: missense variant. On other transcripts: non-coding transcript variant (1).
Genome position (GRCh38, 1-based): chr17:43,067,650, T>C on the plus strand (A>G on the coding strand, the complement: BRCA1 is on the minus strand). VCF-style: chr17-43067650-T-C. GRCh37 (hg19) VCF-style: chr17-41219667-T-C.
Other names: c.4819A>G, p.Asn1607Asp (NM_001407571.1, NM_001407898.1, NM_001407899.1 and 12 more transcripts); c.5098A>G, p.Asn1700Asp (NM_001407581.1, NM_001407582.1); c.5095A>G, p.Asn1699Asp (NM_001407583.1, NM_001407585.1, NM_001407587.1 and 1 more transcripts); c.5092A>G, p.Asn1698Asp (NM_001407590.1, NM_001407591.1); c.5032A>G, p.Asn1678Asp (NM_001407593.1, NM_001407594.1, NM_001407596.1 and 8 more transcripts); c.5029A>G, p.Asn1677Asp (NM_001407610.1, NM_001407611.1, NM_001407612.1 and 17 more transcripts); c.5026A>G, p.Asn1676Asp (NM_001407627.1, NM_001407628.1, NM_001407629.1 and 14 more transcripts); c.5017A>G, p.Asn1673Asp (NM_001407647.1); and 70 more; short protein forms N1631D, N1678D, N574D, N1699D, N1509D, N1524D, N1550D, N1566D.
Identifiers: ClinVar variation 865553 (VCV000865553.4), dbSNP rs2052174148, ClinGen allele CA10591453.
Genomic context (GRCh38, chr17:43,067,650, plus strand): 5'-TAAAGGTTCTTGGTATACCTGTTTTCATAACAACATGAGTAGTCTCTTCAGTAATTAGAT[T>C]AGTTAAAGTGATGTGGTGTTTTCTGGCAAACTTGTACACGAGCATCTGAAATTAAATCAA-3'
Protein context (NP_009225.1, residues 1668-1688): FARKHHITLT[Asn1678Asp]LITEETTHVV